The following is an entry in ClinVar:

ClinVar aggregate classification (germline): Uncertain significance (1 of 4 stars; one submission).

Conditions:
Familial cancer of breast. Also called: BREAST CANCER, FAMILIAL; Hereditary breast cancer; hereditary breast carcinoma. Identifiers: Orphanet 227535, MedGen C0346153, MONDO:0016419, OMIM 114480. Disease mechanism: loss of function.

Submission:

Labcorp Genetics (formerly Invitae), Labcorp
Classification: Uncertain significance for Hereditary Breast Carcinoma. Last evaluated: 2019-12-23. Review status: criteria provided, single submitter. Criteria: Invitae Variant Classification Sherloc (09022015). Collection method: clinical testing. Allele origin: germline.
Comment: This variant results in a copy number gain of the genomic region encompassing the full coding sequence of the BARD1 gene. The boundaries of this event are unknown as they extend beyond the assayed region for this gene and therefore may encompass additional genes. As the precise location of this event is unknown, it may be in tandem or it may be located elsewhere in the genome. This variant has not been reported in the literature in individuals with BARD1-related conditions. Experimental studies and prediction algorithms are not available or were not evaluated, and the functional significance of this variant is currently unknown. In summary, the available evidence is currently insufficient to determine the role of this variant in disease. Therefore, it has been classified as a Variant of Uncertain Significance.

NC_000002.11:g.(?_215593400)_(216212339_?)dup

Genes: ABCA12 (ATP binding cassette subfamily A member 12; minus strand), BARD1 (BRCA1 associated RING domain 1; minus strand), ATIC (5-aminoimidazole-4-carboxamide ribonucleotide formyltransferase/IMP cyclohydrolase; plus strand). Cytogenetic location: 2q35.
Variant type: Duplication.
Identifiers: ClinVar variation 833077 (VCV000833077.2).